The following is an entry in ClinVar:

NM_033100.4(CDHR1):c.764T>A (p.Val255Glu)

Gene: CDHR1 (cadherin related family member 1; plus strand). Cytogenetic location: 10q23.1.
Variant type: single nucleotide variant.
Coding change: c.764T>A on transcript NM_033100.4 (MANE Select); coding-DNA position 764, T replaced by A.
Protein change: p.Val255Glu; replaces valine 255 with glutamic acid.
Molecular consequence: missense variant.
Genome position (GRCh38, 1-based): chr10:84,203,104, T>A. VCF-style: chr10-84203104-T-A. GRCh37 (hg19) VCF-style: chr10-85962860-T-A.
Other names: c.764T>A, p.Val255Glu (NM_001171971.3); c.764T>A (NM_033100.2); short protein forms V255E.
Identifiers: ClinVar variation 1421273 (VCV001421273.6), dbSNP rs747388076, ClinGen allele CA5579666.
Genomic context (GRCh38, chr10:84,203,104, plus strand): 5'-ATGTGGAGGATGTTCAGGACATGGCCCCTGTCTTCGTGGGCACACCCTACTATGGCTATG[T>A]GTACGAGGACACCCTTCCGGTGGGTGGCTGTCCCCCTCAGCCAGCGATCCCTCCAAATGC-3'
Protein context (NP_149091.1, residues 245-265): VFVGTPYYGY[Val255Glu]YEDTLPGSEV

ClinVar aggregate classification (germline): Uncertain significance. Review status: criteria provided, multiple submitters, no conflicts (2 of 4 stars). 3 submissions from 3 submitters: Uncertain significance (3). Last evaluated 2024-12-02.

Conditions:
Inborn genetic diseases. Identifiers: MedGen C0950123, MeSH D030342.

Allele frequency attached by ClinVar (database versions not stated): gnomAD 0.00001; gnomAD exomes 0.00001 and 0.00002; ExAC 0.00002; TOPMed 0.00003.
gnomAD v4.1: 15 of 1,614,104 alleles (0.00093%); highest among the groups gnomAD compares: Middle Eastern, 0.016%; no homozygotes.

Submissions (3):

Labcorp Genetics (formerly Invitae), Labcorp
Classification: Uncertain significance. Last evaluated: 2024-12-02. Review status: criteria provided, single submitter. Criteria: Invitae Variant Classification Sherloc (09022015). Collection method: clinical testing. Allele origin: germline.
Comment: This sequence change replaces valine, which is neutral and non-polar, with glutamic acid, which is acidic and polar, at codon 255 of the CDHR1 protein (p.Val255Glu). This variant is present in population databases (rs747388076, gnomAD 0.01%). This variant has not been reported in the literature in individuals affected with CDHR1-related conditions. ClinVar contains an entry for this variant (Variation ID: 1421273). Invitae Evidence Modeling of protein sequence and biophysical properties (such as structural, functional, and spatial information, amino acid conservation, physicochemical variation, residue mobility, and thermodynamic stability) indicates that this missense variant is expected to disrupt CDHR1 protein function with a positive predictive value of 80%. In summary, the available evidence is currently insufficient to determine the role of this variant in disease. Therefore, it has been classified as a Variant of Uncertain Significance.

Blueprint Genetics
Classification: Uncertain significance. Last evaluated: 2024-05-28. Review status: criteria provided, single submitter. Criteria: ACMG Guidelines, 2015. Collection method: clinical testing. Allele origin: germline.

Ambry Genetics
Classification: Uncertain significance for Inborn genetic diseases. Last evaluated: 2023-12-08. Review status: criteria provided, single submitter. Criteria: Ambry Variant Classification Scheme 2023. Collection method: clinical testing. Allele origin: germline.